The following is an entry in ClinVar:

ClinVar aggregate classification (germline): Pathogenic (0 of 4 stars; one submission).

Conditions:
Primary hyperoxaluria, type I (HP1). Also called: GLYCOLIC ACIDURIA; HEPATIC AGT DEFICIENCY; OXALOSIS I; Primary hyperoxaluria type 1. Identifiers: Orphanet 416, Orphanet 93598, MedGen C0268164, MONDO:0009823, OMIM 259900. Disease mechanism: loss of function.

Allele frequency attached by ClinVar (database versions not stated): gnomAD exomes below 0.00001.

Submission:

Clinical Biochemistry Laboratory, Health Services Laboratory
Classification: Pathogenic for Primary hyperoxaluria, type I. Last evaluated: 2014-11-27. Review status: no assertion criteria provided. Collection method: research. Allele origin: germline. Affected: yes.
Comment: Loss of 12 nucleotides at beginning of exon 4

Literature cited by the submitters: PubMed 17495019.

NM_000030.3(AGXT):c.424-2A>G

Gene: AGXT (alanine--glyoxylate aminotransferase; plus strand). Cytogenetic location: 2q37.3.
Variant type: single nucleotide variant.
Coding change: c.424-2A>G on transcript NM_000030.3 (MANE Select); the canonical splice acceptor site of the intron before coding-DNA position 424, A replaced by G.
Molecular consequence: splice acceptor variant.
Genome position (GRCh38, 1-based): chr2:240,871,347, A>G. VCF-style: chr2-240871347-A-G. GRCh37 (hg19) VCF-style: chr2-241810764-A-G.
Identifiers: ClinVar variation 204164 (VCV000204164.2), dbSNP rs180177219, ClinGen allele CA275804.
Genomic context (GRCh38, chr2:240,871,347, plus strand): 5'-TGTGGGGGTGTTCTGGCCCCTGCCCCTCTGAGCTCCACCCACAGCCGTCCCTGCTTCCTC[A>G]GGGCCTGGCCCAGCACAAGCCAGTGCTGCTGTTCTTAACCCACGGGGAGTCGTCCACCGG-3'